The following is an entry in ClinVar:

NM_006767.4(LZTR1):c.370G>T (p.Val124Phe)

Gene: LZTR1 (leucine zipper like post translational regulator 1; plus strand). Cytogenetic location: 22q11.21.
Variant type: single nucleotide variant.
Coding change: c.370G>T on transcript NM_006767.4 (MANE Select); coding-DNA position 370, G replaced by T.
Protein change: p.Val124Phe; replaces valine 124 with phenylalanine.
Molecular consequence: missense variant.
Genome position (GRCh38, 1-based): chr22:20,987,553, G>T. VCF-style: chr22-20987553-G-T. GRCh37 (hg19) VCF-style: chr22-21341842-G-T.
Other names: short protein forms V124F.
Identifiers: ClinVar variation 2500683 (VCV002500683.1), dbSNP rs759568976, ClinGen allele CA10118393.

ClinVar aggregate classification (germline): Uncertain significance (1 of 4 stars; one submission).

Allele frequency attached by ClinVar (database versions not stated): ExAC 0.00001.
gnomAD v4.1: 1 of 1,614,074 alleles (0.000062%); highest among the groups gnomAD compares: South Asian, 0.0011%; no homozygotes.

Submission:

GeneDx
Classification: Uncertain significance. Last evaluated: 2022-10-31. Review status: criteria provided, single submitter. Criteria: GeneDx Variant Classification Process June 2021. Collection method: clinical testing. Allele origin: germline. Affected: yes.
Comment: Not observed at significant frequency in large population cohorts (gnomAD); In silico analysis supports that this missense variant has a deleterious effect on protein structure/function; Has not been previously published as pathogenic or benign to our knowledge